The following is an entry in ClinVar:

ClinVar aggregate classification (germline): Conflicting classifications of pathogenicity. Review status: criteria provided, conflicting classifications (1 of 4 stars). 2 submissions from 2 submitters: Uncertain significance (1); Likely benign (1). Last evaluated 2026-09-03.

Conditions:
KARS1-related disorder. Also called: KARS1-related disorders.

Allele frequency attached by ClinVar (database versions not stated): ESP Exome Variant Server 0.00008; gnomAD 0.00009 and 0.00011; TOPMed 0.00010; ExAC 0.00017; gnomAD exomes 0.00025.
gnomAD v4.1: 192 of 1,613,842 alleles (0.012%); highest among the groups gnomAD compares: Admixed American, 0.077%; 1 homozygote.

Submissions (2):

PreventionGenetics, part of Exact Sciences
Classification: Likely benign for KARS1-related condition. Last evaluated: 2026-09-03. Review status: criteria provided, single submitter. Criteria: ACMG Guidelines, 2015. Collection method: clinical testing. Allele origin: germline.
Comment: This variant is classified as likely benign based on ACMG/AMP sequence variant interpretation guidelines (Richards et al. 2015 PMID: 25741868, with internal and published modifications).

Laboratory for Molecular Medicine, Mass General Brigham Personalized Medicine
Classification: Uncertain significance. Last evaluated: 2015-12-22. Review status: criteria provided, single submitter. Criteria: LMM Criteria. Collection method: clinical testing. Allele origin: germline. Observed: 1 variant allele.
Comment: The c.-1G>T variant in KARS has not been previously reported in individuals with hearing loss, but has been identified in 12/61810 of European chromosomes by th e Exome Aggregation Consortium (ExAC; dbSNP rs37 4675852). This variant is located in the 5' UTR and its impact is unclear. In su mmary, the clinical significance of the c.-1G>T variant is uncertain.

NM_005548.3(KARS1):c.-1G>T

Genes: KARS1 (lysyl-tRNA synthetase 1; minus strand), LOC130059450 (ATAC-STARR-seq lymphoblastoid active region 11144; plus strand). Cytogenetic location: 16q23.1.
Variant type: single nucleotide variant.
Coding change: c.-1G>T on transcript NM_005548.3 (MANE Select); 1 bases upstream of the start codon, G replaced by T.
Molecular consequence: 5 prime UTR variant.
Genome position (GRCh38, 1-based): chr16:75,647,640, C>A on the plus strand (G>T on the coding strand, the complement: KARS1 is on the minus strand). VCF-style: chr16-75647640-C-A. GRCh37 (hg19) VCF-style: chr16-75681538-C-A.
Other names: c.-97G>T (NM_001130089.2); c.-583G>T (NM_001378148.1).
Identifiers: ClinVar variation 228759 (VCV000228759.5), dbSNP rs374675852, ClinGen allele CA8177868.